The following is an entry in ClinVar:

NM_001289125.3(IFNAR2):c.56-1G>A

Genes: IFNAR2 (interferon alpha and beta receptor subunit 2; plus strand), IFNAR2-IL10RB (IFNAR2-IL10RB readthrough; plus strand). Cytogenetic location: 21q22.11.
Variant type: single nucleotide variant.
Coding change: c.56-1G>A on transcript NM_001289125.3 (MANE Select); the canonical splice acceptor site of the intron before coding-DNA position 56, G replaced by A.
Molecular consequence: splice acceptor variant.
Genome position (GRCh38, 1-based): chr21:33,243,672, G>A. VCF-style: chr21-33243672-G-A. GRCh37 (hg19) VCF-style: chr21-34615977-G-A.
Other names: c.56-1G>A (NM_001414505.1, NM_000874.5, NM_001289128.2 and 5 more transcripts).
Identifiers: ClinVar variation 4693433 (VCV004693433.2).
Genomic context (GRCh38, chr21:33,243,672, plus strand): 5'-ATCATTGCAAGTTGAGCCCAGATAAAACTATTGCCTCTCTAATGTGTTTTCTTCCTTCTA[G>A]TGTATATCAGCCTCGTGTTTGGTATTTCATATGATTCGCCTGGTAAGAGATGTTTTTTGG-3'

ClinVar aggregate classification (germline): Conflicting classifications of pathogenicity. Review status: criteria provided, conflicting classifications (1 of 4 stars). 2 submissions from 2 submitters: Likely pathogenic (1); Uncertain significance (1). Last evaluated 2025-10-18.

Submissions (2):

Labcorp Genetics (formerly Invitae), Labcorp
Classification: Likely pathogenic. Last evaluated: 2025-10-18. Review status: criteria provided, single submitter. Criteria: Invitae Variant Classification Sherloc (09022015). Collection method: clinical testing. Allele origin: germline.
Comment: This sequence change affects an acceptor splice site in intron 2 of the IFNAR2 gene. It is expected to disrupt RNA splicing. Variants that disrupt the donor or acceptor splice site typically lead to a loss of protein function (PMID: 16199547), and loss-of-function variants in IFNAR2 are known to be pathogenic (PMID: 26424569, 33193576). This variant is present in population databases (rs149432031, gnomAD 0.02%). This variant has not been reported in the literature in individuals affected with IFNAR2-related conditions. Algorithms developed to predict the effect of sequence changes on RNA splicing suggest that this variant may disrupt the consensus splice site. In summary, the currently available evidence indicates that the variant is pathogenic, but additional data are needed to prove that conclusively. Therefore, this variant has been classified as Likely Pathogenic.

Blueprint Genetics
Classification: Uncertain significance. Last evaluated: 2022-06-15. Review status: criteria provided, single submitter. Criteria: ACMG Guidelines, 2015. Collection method: clinical testing. Allele origin: germline.

Literature cited by the submitters: PubMed 16199547 (cited by Labcorp Genetics (formerly Invitae), Labcorp); PubMed 26424569 (cited by Labcorp Genetics (formerly Invitae), Labcorp); PubMed 33193576 (cited by Labcorp Genetics (formerly Invitae), Labcorp).